The following is an entry in ClinVar:

ClinVar aggregate classification (germline): Pathogenic (1 of 4 stars; one submission).

Conditions:
Neurofibromatosis, type 1 (NF1). Also called: VON RECKLINGHAUSEN DISEASE; Peripheral type neurofibromatosis; NEUROFIBROMATOSIS, TYPE I, SOMATIC; Neurofibromatosis, type I. Identifiers: Orphanet 636, MedGen C0027831, MONDO:0018975, OMIM 162200. Disease mechanism: loss of function.

Submission:

Labcorp Genetics (formerly Invitae), Labcorp
Classification: Pathogenic for Neurofibromatosis, type 1. Last evaluated: 2020-10-11. Review status: criteria provided, single submitter. Criteria: Invitae Variant Classification Sherloc (09022015). Collection method: clinical testing. Allele origin: germline.
Comment: This sequence change creates a premature translational stop signal (p.Ala3Argfs*21) in the NF1 gene. It is expected to result in an absent or disrupted protein product. For these reasons, this variant has been classified as Pathogenic. Loss-of-function variants in NF1 are known to be pathogenic (PMID: 10712197, 23913538). This variant has not been reported in the literature in individuals with NF1-related conditions. The frequency data for this variant in the population databases is considered unreliable, as metrics indicate insufficient coverage at this position in the ExAC database.

Literature cited by the submitters: PubMed 10712197; PubMed 23913538.

NM_001042492.3(NF1):c.6del (p.Ala3fs)

Genes: MIR4733HG (MIR4733 host gene; minus strand), NF1 (neurofibromin 1; plus strand), LOC111811965 (NF1 (neurofibromin 1) promoter region; plus strand). Cytogenetic location: 17q11.2.
Variant type: Deletion.
Coding change: c.6del on transcript NM_001042492.3 (MANE Select); coding-DNA position 6, one base deleted (C; older notation c.6delC).
Protein change: p.Ala3fs; shifts the reading frame from alanine 3.
Molecular consequence: frameshift variant. On other transcripts: non-coding transcript variant (1).
Genome position (GRCh38, 1-based): chr17:31,095,315, C deleted; the last of 2 consecutive C bases (chr17:31,095,314-31,095,315); deleting either gives the same sequence. VCF-style (leftmost placement, unchanged base first): chr17-31095313-GC-G. GRCh37 (hg19) VCF-style: chr17-29422331-GC-G.
Other names: c.6delC, p.Ala3Argfs (NM_000267.4); c.6del, p.Ala3fs (NM_001128147.3); short protein forms A3fs.
Identifiers: ClinVar variation 1068537 (VCV001068537.5), dbSNP rs2143144314, ClinGen allele CA2499223965.
Genomic context (GRCh38, chr17:31,095,313, plus strand): 5'-CCGGCCCAGGGCGCCGGCCCACCCTTCCCTCCGCCGCCCCCCGGCCGCGGGGAGGACATG[GC>G]CGCGCACAGGCCGGTGGAATGGGTCCAGGCCGTGGTCAGCCGCTTCGACGAGCAGGTAAC-3'